The following is an entry in ClinVar:

ClinVar aggregate classification (germline): Likely benign (1 of 4 stars; one submission).

gnomAD v4.1: 15 of 1,613,530 alleles (0.00093%); highest among the groups gnomAD compares: Middle Eastern, 0.016%; no homozygotes.

Submission:

CeGaT Center for Human Genetics Tuebingen
Classification: Likely benign. Last evaluated: 2025-12-01. Review status: criteria provided, single submitter. Criteria: CeGaT Center For Human Genetics Tuebingen Variant Classification Criteria Version 2. Collection method: clinical testing. Allele origin: germline. Affected: yes. Observed: 1 variant allele.
Comment: NRXN1: BP4, BP7

NM_001330078.2(NRXN1):c.4224A>C (p.Pro1408=)

Gene: NRXN1 (neurexin 1; minus strand). Cytogenetic location: 2p16.3.
Variant type: single nucleotide variant.
Coding change: c.4224A>C on transcript NM_001330078.2 (MANE Select); coding-DNA position 4224, A replaced by C.
Protein change: p.Pro1408=; no amino-acid change (proline 1408 retained).
Molecular consequence: synonymous variant.
Genome position (GRCh38, 1-based): chr2:49,922,244, T>G on the plus strand (A>C on the coding strand, the complement: NRXN1 is on the minus strand). VCF-style: chr2-49922244-T-G. GRCh37 (hg19) VCF-style: chr2-50149382-T-G.
Other names: c.4134A>C, p.Pro1378= (NM_004801.6); c.1029A>C, p.Pro343= (NM_138735.5); c.4344A>C, p.Pro1448= (NM_001135659.3); c.129A>C, p.Pro43= (NM_001320156.4); c.120A>C, p.Pro40= (NM_001320157.4); c.4200A>C, p.Pro1400= (NM_001330077.2); c.4191A>C, p.Pro1397= (NM_001330082.2); c.4059A>C, p.Pro1353= (NM_001330083.2); and 12 more.
Identifiers: ClinVar variation 4681660 (VCV004681660.5).